The following is an entry in ClinVar:

NM_001352754.2(ARMC9):c.1988A>G (p.Tyr663Cys)

Gene: ARMC9 (armadillo repeat containing 9; plus strand). Cytogenetic location: 2q37.1.
Variant type: single nucleotide variant.
Coding change: c.1988A>G on transcript NM_001352754.2 (MANE Select); coding-DNA position 1988, A replaced by G.
Protein change: p.Tyr663Cys; replaces tyrosine 663 with cysteine.
Molecular consequence: missense variant. On other transcripts: non-coding transcript variant (1).
Genome position (GRCh38, 1-based): chr2:231,345,084, A>G. VCF-style: chr2-231345084-A-G. GRCh37 (hg19) VCF-style: chr2-232209796-A-G.
Other names: c.1988A>G, p.Tyr663Cys (NM_001271466.4, NM_001291656.2, NM_001352755.2 and 2 more transcripts); c.1889A>G, p.Tyr630Cys (NM_001352757.2, NM_001352758.2); c.1883A>G, p.Tyr628Cys (NM_001352759.2); short protein forms Y630C, Y663C, Y628C.
Identifiers: ClinVar variation 836778 (VCV000836778.8), dbSNP rs2044742989, ClinGen allele CA350957295.

ClinVar aggregate classification (germline): Uncertain significance (1 of 4 stars; one submission).

Submission:

Labcorp Genetics (formerly Invitae), Labcorp
Classification: Uncertain significance. Last evaluated: 2025-10-22. Review status: criteria provided, single submitter. Criteria: Invitae Variant Classification Sherloc (09022015). Collection method: clinical testing. Allele origin: germline.
Comment: This sequence change replaces tyrosine, which is neutral and polar, with cysteine, which is neutral and slightly polar, at codon 663 of the ARMC9 protein (p.Tyr663Cys). This variant is not present in population databases (gnomAD no frequency). This variant has not been reported in the literature in individuals affected with ARMC9-related conditions. ClinVar contains an entry for this variant (Variation ID: 836778). Experimental studies and prediction algorithms are not available or were not evaluated, and the functional significance of this variant is currently unknown. In summary, the available evidence is currently insufficient to determine the role of this variant in disease. Therefore, it has been classified as a Variant of Uncertain Significance.